The following is an entry in ClinVar:

ClinVar aggregate classification (germline): Uncertain significance (1 of 4 stars; one submission).

Conditions:
Hereditary cancer-predisposing syndrome. Also called: Neoplastic Syndromes, Hereditary; Tumor predisposition; Hereditary Cancer Syndrome; Hereditary neoplastic syndrome. Identifiers: Orphanet 140162, MedGen C0027672, MeSH D009386, MONDO:0015356.

Submission:

Ambry Genetics
Classification: Uncertain significance for Hereditary cancer-predisposing syndrome. Last evaluated: 2025-05-01. Review status: criteria provided, single submitter. Criteria: Ambry Variant Classification Scheme 2023. Collection method: clinical testing. Allele origin: germline.
Comment: The c.-1delC variant is located in the 5' untranslated region (5&rsquo;UTR) of the MUTYH gene. This variant results from the deletion of a single nucleotide one nucleotide upstream from the first translated codon. This nucleotide position is highly conserved in available vertebrate species. Based on the available evidence, the clinical significance of this variant remains unclear.

NM_001128425.2(MUTYH):c.-1del

Genes: MUTYH (mutY DNA glycosylase; minus strand), TOE1 (target of EGR1, exonuclease; plus strand). Cytogenetic location: 1p34.1.
Variant type: Deletion.
Coding change: c.-1del on transcript NM_001128425.2 (MANE Plus Clinical); 1 bases upstream of the start codon, one base deleted (C; older notation c.-1delC).
Molecular consequence: 5 prime UTR variant. On other transcripts: frameshift variant (1), initiator codon variant (1), non-coding transcript variant (3).
Genome position (GRCh38, 1-based): chr1:45,340,255, G deleted on the plus strand (C on the coding strand, the reverse complement: MUTYH is on the minus strand); the first of 2 consecutive G bases (chr1:45,340,255-45,340,256); deleting either gives the same sequence. VCF-style (leftmost placement, unchanged base first): chr1-45340254-TG-T. GRCh37 (hg19) VCF-style: chr1-45805926-TG-T.
Other names: c.-1delC (NM_001128425.1); c.4del, p.Ala2fs (NM_025077.4); c.-43del (NM_001048171.2); c.-1del (NM_001293190.2, NM_001407069.1, NM_001407073.1 and 1 more transcripts); c.-255del (NM_001293192.2); c.-314del (NM_001350650.2); c.-250del (NM_001350651.2); c.-59del (NM_001407070.1, NM_001407071.1); and 1 more; short protein forms A2fs.
Identifiers: ClinVar variation 3914952 (VCV003914952.1).
Genomic context (GRCh38, chr1:45,340,254, plus strand): 5'-GAGACGGACCGCAAGTCCAGCGTACCCACAGACGACTCAGGCGGGAGACGAGCGGTGTCA[TG>T]GCCGCCGACAGTGACGATGGCGCAGTTTCAGCTCCCGCAGCTTCCGACGGTGAGCGGCTT-3'